The following is an entry in ClinVar:

ClinVar aggregate classification (germline): Uncertain significance. Review status: criteria provided, multiple submitters, no conflicts (2 of 4 stars). 2 submissions from 2 submitters: Uncertain significance (2). Last evaluated 2025-12-11.

Conditions:
FNIP1-related disorder. Also called: FNIP1-related condition.

Allele frequency attached by ClinVar (database versions not stated): ExAC 0.00012; ESP Exome Variant Server 0.00015; gnomAD exomes 0.00017; 1000 Genomes Project 30x 0.00031; gnomAD 0.00031; 1000 Genomes Project 0.00040; TOPMed 0.00069.
gnomAD v4.1: 318 of 1,606,348 alleles (0.02%); highest among the groups gnomAD compares: Middle Eastern, 0.13%; no homozygotes.

Submissions (2):

PreventionGenetics, part of Exact Sciences
Classification: Uncertain significance for FNIP1-related condition. Last evaluated: 2025-12-11. Review status: criteria provided, single submitter. Criteria: ACMG Guidelines, 2015. Collection method: clinical testing. Allele origin: germline.
Comment: The FNIP1 c.569A>G variant is predicted to result in the amino acid substitution p.Asn190Ser. To our knowledge, this variant has not been reported in the literature. This variant is reported in 0.078% of alleles in individuals of Ashkenazi Jewish descent in gnomAD. Although we suspect that this variant may be benign, at this time, the clinical significance of this variant is uncertain due to the absence of conclusive functional and genetic evidence.

Labcorp Genetics (formerly Invitae), Labcorp
Classification: Uncertain significance. Last evaluated: 2024-12-19. Review status: criteria provided, single submitter. Criteria: Invitae Variant Classification Sherloc (09022015). Collection method: clinical testing. Allele origin: germline.
Comment: This sequence change replaces asparagine, which is neutral and polar, with serine, which is neutral and polar, at codon 190 of the FNIP1 protein (p.Asn190Ser). This variant is present in population databases (rs149199889, gnomAD 0.07%). This missense change has been observed in individual(s) with clinical features of FNIP1-related conditions (internal data). ClinVar contains an entry for this variant (Variation ID: 2058434). An algorithm developed to predict the effect of missense changes on protein structure and function (PolyPhen-2) suggests that this variant¬†is likely to be tolerated. In summary, the available evidence is currently insufficient to determine the role of this variant in disease. Therefore, it has been classified as a Variant of Uncertain Significance.

NM_133372.3(FNIP1):c.569A>G (p.Asn190Ser)

Gene: FNIP1 (folliculin interacting protein 1; minus strand). Cytogenetic location: 5q31.1.
Variant type: single nucleotide variant.
Coding change: c.569A>G on transcript NM_133372.3 (MANE Select); coding-DNA position 569, A replaced by G.
Protein change: p.Asn190Ser; replaces asparagine 190 with serine.
Molecular consequence: missense variant.
Genome position (GRCh38, 1-based): chr5:131,716,618, T>C on the plus strand (A>G on the coding strand, the complement: FNIP1 is on the minus strand). VCF-style: chr5-131716618-T-C. GRCh37 (hg19) VCF-style: chr5-131052311-T-C.
Other names: c.569A>G (NM_133372.2); c.569A>G, p.Asn190Ser (NM_001008738.3, NM_001346113.2); c.434A>G, p.Asn145Ser (NM_001346114.2); short protein forms N145S, N190S.
Identifiers: ClinVar variation 2058434 (VCV002058434.3), dbSNP rs149199889, ClinGen allele CA3400896.